The following is an entry in ClinVar:

ClinVar aggregate classification (germline): Conflicting classifications of pathogenicity. Review status: criteria provided, conflicting classifications (1 of 4 stars). 2 submissions from 1 submitter: Uncertain significance (1); Likely benign (1). Last evaluated 2018-01-13.

Conditions:
Long QT syndrome 5 (LQT5). Identifiers: Orphanet 101016, Orphanet 768, MedGen C1867904, MONDO:0013372, OMIM 613695.
Jervell and Lange-Nielsen syndrome 2 (JLNS2). Identifiers: Orphanet 768, Orphanet 90647, MedGen C2676723, MONDO:0012871, OMIM 612347.

Allele frequency attached by ClinVar (database versions not stated): TOPMed 0.00164; 1000 Genomes Project 0.00220; 1000 Genomes Project 30x 0.00234; gnomAD 0.00310 and 0.00323; gnomAD exomes 0.00862.
gnomAD v4.1: 468 of 152,452 alleles (0.31%); highest among the groups gnomAD compares: Middle Eastern, 0.68%; 7 homozygotes.

Submissions (2):

Illumina Laboratory Services, Illumina
Classification: Likely benign for Long QT syndrome 5. Last evaluated: 2018-01-13. Review status: criteria provided, single submitter. Criteria: ICSL Variant Classification Criteria 13 December 2019. Collection method: clinical testing. Allele origin: germline.
Comment: This variant was observed in the ICSL laboratory as part of a predisposition screen in an ostensibly healthy population. It had not been previously curated by ICSL or reported in the Human Gene Mutation Database (HGMD: prior to June 1st, 2018), and was therefore a candidate for classification through an automated scoring system. Utilizing variant allele frequency, disease prevalence and penetrance estimates, and inheritance mode, an automated score was calculated to assess if this variant is too frequent to cause the disease. Based on the score and internal cut-off values, a variant classified as likely benign is not then subjected to further curation. The score for this variant resulted in a classification of likely benign for this disease.

Illumina Laboratory Services, Illumina
Classification: Uncertain significance for Jervell and Lange-Nielsen syndrome 2. Last evaluated: 2018-01-13. Review status: criteria provided, single submitter. Criteria: ICSL Variant Classification Criteria 13 December 2019. Collection method: clinical testing. Allele origin: germline.

NM_000219.6(KCNE1):c.-377+13G>A

Gene: KCNE1 (potassium voltage-gated channel subfamily E regulatory subunit 1; minus strand). Cytogenetic location: 21q22.12.
Variant type: single nucleotide variant.
Coding change: c.-377+13G>A on transcript NM_000219.6 (MANE Select); 13 bases into the intron after 377 bases upstream of the start codon, G replaced by A.
Molecular consequence: intron variant.
Genome position (GRCh38, 1-based): chr21:34,512,014, C>T on the plus strand (G>A on the coding strand, the complement: KCNE1 is on the minus strand). VCF-style: chr21-34512014-C-T. GRCh37 (hg19) VCF-style: chr21-35884312-C-T.
Identifiers: ClinVar variation 339783 (VCV000339783.6), dbSNP rs41315351, ClinGen allele CA10644598.